The following is an entry in ClinVar:

ClinVar aggregate classification (germline): Uncertain significance (1 of 4 stars; one submission).

Conditions:
Cardiovascular phenotype. Identifiers: MedGen CN230736.

Allele frequency attached by ClinVar (database versions not stated): TOPMed 0.00001; gnomAD exomes below 0.00001; ExAC 0.00001.
gnomAD v4.1: 2 of 1,614,156 alleles (0.00012%); highest among the groups gnomAD compares: African/African-American, 0.0027%; no homozygotes.

Submission:

Ambry Genetics
Classification: Uncertain significance for Cardiovascular phenotype. Last evaluated: 2025-04-24. Review status: criteria provided, single submitter. Criteria: Ambry Variant Classification Scheme 2023. Collection method: clinical testing. Allele origin: germline.
Comment: The p.M712T variant (also known as c.2135T>C), located in coding exon 14 of the SCN10A gene, results from a T to C substitution at nucleotide position 2135. The methionine at codon 712 is replaced by threonine, an amino acid with similar properties. This amino acid position is highly conserved in available vertebrate species. In addition, this alteration is predicted to be deleterious by in silico analysis. Since supporting evidence is limited at this time, the clinical significance of this alteration remains unclear.

NM_006514.4(SCN10A):c.2135T>C (p.Met712Thr)

Gene: SCN10A (sodium voltage-gated channel alpha subunit 10; minus strand). Cytogenetic location: 3p22.2.
Variant type: single nucleotide variant.
Coding change: c.2135T>C on transcript NM_006514.4 (MANE Select); coding-DNA position 2135, T replaced by C.
Protein change: p.Met712Thr; replaces methionine 712 with threonine.
Molecular consequence: missense variant.
Genome position (GRCh38, 1-based): chr3:38,739,660, A>G on the plus strand (T>C on the coding strand, the complement: SCN10A is on the minus strand). VCF-style: chr3-38739660-A-G. GRCh37 (hg19) VCF-style: chr3-38781151-A-G.
Other names: c.2135T>C, p.Met712Thr (NM_001293306.2); c.1841T>C, p.Met614Thr (NM_001293307.2); short protein forms M614T, M712T.
Identifiers: ClinVar variation 1786468 (VCV001786468.3), dbSNP rs759342224, ClinGen allele CA2320624.